The following is an entry in ClinVar:

NM_004006.3(DMD):c.7808T>C (p.Leu2603Pro)

Gene: DMD (dystrophin; minus strand). Cytogenetic location: Xp21.1.
Variant type: single nucleotide variant.
Coding change: c.7808T>C on transcript NM_004006.3 (MANE Select); coding-DNA position 7808, T replaced by C.
Protein change: p.Leu2603Pro; replaces leucine 2603 with proline.
Molecular consequence: missense variant.
Genome position (GRCh38, 1-based): chrX:31,679,439, A>G on the plus strand (T>C on the coding strand, the complement: DMD is on the minus strand). VCF-style: chrX-31679439-A-G. GRCh37 (hg19) VCF-style: chrX-31697556-A-G.
Other names: c.7784T>C, p.Leu2595Pro (NM_000109.4); c.7796T>C, p.Leu2599Pro (NM_004009.3); c.7439T>C, p.Leu2480Pro (NM_004010.3); c.3785T>C, p.Leu1262Pro (NM_004011.4); c.3776T>C, p.Leu1259Pro (NM_004012.4); c.428T>C, p.Leu143Pro (NM_004013.3, NM_004020.4, NM_004021.3 and 2 more transcripts); short protein forms L1259P, L2480P, L2603P, L1262P, L143P, L2595P, L2599P.
Identifiers: ClinVar variation 2724991 (VCV002724991.3), dbSNP rs2529176208, ClinGen allele CA412656689.

ClinVar aggregate classification (germline): Uncertain significance (1 of 4 stars; one submission).

Conditions:
Duchenne muscular dystrophy (DMD). Also called: MUSCULAR DYSTROPHY, PSEUDOHYPERTROPHIC PROGRESSIVE, DUCHENNE TYPE; Duchenne Muscular Dystrophy (DMD). Identifiers: Orphanet 98896, MedGen C0013264, MONDO:0010679, OMIM 310200.

Allele frequency attached by ClinVar (database versions not stated): gnomAD exomes below 0.00001.
gnomAD v4.1: 1 of 1,211,591 alleles (0.000083%); highest among the groups gnomAD compares: Non-Finnish European, 0.00011%; no homozygotes.

Submission:

Labcorp Genetics (formerly Invitae), Labcorp
Classification: Uncertain significance for Duchenne muscular dystrophy. Last evaluated: 2023-07-25. Review status: criteria provided, single submitter. Criteria: Invitae Variant Classification Sherloc (09022015). Collection method: clinical testing. Allele origin: germline.
Comment: This variant is not present in population databases (gnomAD no frequency). This sequence change replaces leucine, which is neutral and non-polar, with proline, which is neutral and non-polar, at codon 2603 of the DMD protein (p.Leu2603Pro). In summary, the available evidence is currently insufficient to determine the role of this variant in disease. Therefore, it has been classified as a Variant of Uncertain Significance. Advanced modeling of protein sequence and biophysical properties (such as structural, functional, and spatial information, amino acid conservation, physicochemical variation, residue mobility, and thermodynamic stability) performed at Invitae indicates that this missense variant is not expected to disrupt DMD protein function. This variant has not been reported in the literature in individuals affected with DMD-related conditions.